The following is an entry in ClinVar:

NM_007294.4(BRCA1):c.4093_4094del (p.Leu1365fs)

Genes: BRCA1 (BRCA1 DNA repair associated; minus strand), LOC126862571 (BRD4-independent group 4 enhancer GRCh37_chr17:41243136-41244335; plus strand). Cytogenetic location: 17q21.31.
Variant type: Deletion.
Coding change: c.4093_4094del on transcript NM_007294.4 (MANE Select); coding-DNA positions 4093 to 4094, 2 bases deleted (TT; older notation c.4093_4094delTT).
Protein change: p.Leu1365fs; shifts the reading frame from leucine 1365.
Molecular consequence: frameshift variant. On other transcripts: intron variant (135).
Genome position (GRCh38, 1-based): chr17:43,091,437-43,091,438, AA deleted on the plus strand (TT on the coding strand, the reverse complement: BRCA1 is on the minus strand). VCF-style (leftmost placement, unchanged base first): chr17-43091436-TAA-T. GRCh37 (hg19) VCF-style: chr17-41243453-TAA-T.
Other names: c.3967_3968del, p.Leu1323fs (NM_001407673.1, NM_001407686.1, NM_001407687.1 and 11 more transcripts); c.3970_3971del, p.Leu1324fs (NM_001407674.1, NM_001407675.1, NM_001407676.1 and 19 more transcripts); c.4090_4091del, p.Leu1364fs (NM_001407613.1, NM_001407614.1, NM_001407615.1 and 22 more transcripts); c.3952_3953del, p.Leu1318fs (NM_001407695.1, NM_001407696.1, NM_001407697.1 and 29 more transcripts); c.4093_4094del, p.Leu1365fs (NM_001407684.1, NM_001407581.1, NM_001407582.1 and 30 more transcripts); c.3880_3881del, p.Leu1294fs (NM_001407571.1, NM_001407853.1, NM_001407894.1 and 9 more transcripts); c.4084_4085del, p.Leu1362fs (NM_001407646.1, NM_001407647.1); c.4015_4016del, p.Leu1339fs (NM_001407653.1, NM_001407654.1, NM_001407655.1 and 4 more transcripts); and 41 more; short protein forms L1365fs, L1318fs, L1069fs, L1276fs, L1295fs, L497fs, L1237fs, L1254fs.
Identifiers: ClinVar variation 2120181 (VCV002120181.4), dbSNP rs2552106061, ClinGen allele CA2580094050.

ClinVar aggregate classification (germline): Pathogenic (1 of 4 stars; one submission).

Conditions:
Hereditary breast ovarian cancer syndrome. Also called: Hereditary breast and ovarian cancer syndrome (HBOC); Hereditary breast and/or ovarian cancer syndrome; Hereditary breast and ovarian cancer; BRCA1- and BRCA2-Associated Hereditary Breast and Ovarian Cancer; Breast and ovarian cancer; Hereditary breast and ovarian cancer syndrome. Identifiers: Orphanet 145, MedGen C0677776, MeSH D061325, MONDO:0003582. Disease mechanism: loss of function.

Submission:

Labcorp Genetics (formerly Invitae), Labcorp
Classification: Pathogenic for Hereditary breast ovarian cancer syndrome. Last evaluated: 2022-04-01. Review status: criteria provided, single submitter. Criteria: Invitae Variant Classification Sherloc (09022015). Collection method: clinical testing. Allele origin: germline.
Comment: Algorithms developed to predict the effect of sequence changes on RNA splicing suggest that this variant may create or strengthen a splice site. For these reasons, this variant has been classified as Pathogenic. This premature translational stop signal has been observed in individual(s) with hereditary breast and/or ovarian cancer (PMID: 22798144, 28111427). This variant is not present in population databases (gnomAD no frequency). This sequence change creates a premature translational stop signal (p.Leu1365Argfs*2) in the BRCA1 gene. It is expected to result in an absent or disrupted protein product. Loss-of-function variants in BRCA1 are known to be pathogenic (PMID: 20104584).

Literature cited by the submitters: PubMed 22798144; PubMed 28111427; PubMed 20104584.